The following is an entry in ClinVar:

NM_001042492.3(NF1):c.7325_7329del (p.Leu2442fs)

Gene: NF1 (neurofibromin 1; plus strand). Cytogenetic location: 17q11.2.
Variant type: Deletion.
Coding change: c.7325_7329del on transcript NM_001042492.3 (MANE Select); coding-DNA positions 7325 to 7329, 5 bases deleted (TACTT; older notation c.7325_7329delTACTT).
Protein change: p.Leu2442fs; shifts the reading frame from leucine 2442.
Molecular consequence: frameshift variant.
Genome position (GRCh38, 1-based): chr17:31,350,186-31,350,190, TACTT deleted; deleting any 5 consecutive bases within chr17:31,350,183-31,350,190 gives the same sequence; the c. name uses the placement nearest the transcript's 3' end. VCF-style (leftmost placement, unchanged base first): chr17-31350182-GCTTTA-G. GRCh37 (hg19) VCF-style: chr17-29677200-GCTTTA-G.
Other names: c.7262_7266delTACTT, p.Leu2421Tyrfs (NM_000267.4); short protein forms L2421fs, L2442fs.
Identifiers: ClinVar variation 2840980 (VCV002840980.3), dbSNP rs2508805020, ClinGen allele CA2739265571.

ClinVar aggregate classification (germline): Pathogenic (1 of 4 stars; one submission).

Conditions:
Neurofibromatosis, type 1 (NF1). Also called: Neurofibromatosis, type I; VON RECKLINGHAUSEN DISEASE; NEUROFIBROMATOSIS, TYPE I, SOMATIC; Peripheral type neurofibromatosis. Identifiers: Orphanet 636, MedGen C0027831, MONDO:0018975, OMIM 162200. Disease mechanism: loss of function.

Submission:

Labcorp Genetics (formerly Invitae), Labcorp
Classification: Pathogenic for Neurofibromatosis, type 1. Last evaluated: 2023-03-22. Review status: criteria provided, single submitter. Criteria: Invitae Variant Classification Sherloc (09022015). Collection method: clinical testing. Allele origin: germline.
Comment: Algorithms developed to predict the effect of sequence changes on RNA splicing suggest that this variant may disrupt the consensus splice site. For these reasons, this variant has been classified as Pathogenic. This variant has not been reported in the literature in individuals affected with NF1-related conditions. This variant is not present in population databases (gnomAD no frequency). This sequence change creates a premature translational stop signal (p.Leu2421Tyrfs*4) in the NF1 gene. It is expected to result in an absent or disrupted protein product. Loss-of-function variants in NF1 are known to be pathogenic (PMID: 10712197, 23913538).

Literature cited by the submitters: PubMed 10712197; PubMed 23913538.